The following is an entry in ClinVar:

NM_001330.5(CTF1):c.454G>C (p.Ala152Pro)

Genes: CTF1 (cardiotrophin 1; plus strand), LOC130058878 (ATAC-STARR-seq lymphoblastoid silent region 7400; plus strand). Cytogenetic location: 16p11.2.
Variant type: single nucleotide variant.
Coding change: c.454G>C on transcript NM_001330.5 (MANE Select); coding-DNA position 454, G replaced by C.
Protein change: p.Ala152Pro; replaces alanine 152 with proline.
Molecular consequence: missense variant. On other transcripts: non-coding transcript variant (1).
Genome position (GRCh38, 1-based): chr16:30,902,387, G>C. VCF-style: chr16-30902387-G-C. GRCh37 (hg19) VCF-style: chr16-30913708-G-C.
Other names: c.451G>C, p.Ala151Pro (NM_001142544.3); short protein forms A152P, A151P.
Identifiers: ClinVar variation 478119 (VCV000478119.8), dbSNP rs1467275471, ClinGen allele CA395619271.

ClinVar aggregate classification (germline): Conflicting classifications of pathogenicity. Review status: criteria provided, conflicting classifications (1 of 4 stars). 3 submissions from 3 submitters: Uncertain significance (2); Likely benign (1). Last evaluated 2025-12-03.

Allele frequency attached by ClinVar (database versions not stated): gnomAD exomes 0.00001; TOPMed 0.00001; gnomAD 0.00004.

Submissions (3):

Labcorp Genetics (formerly Invitae), Labcorp
Classification: Uncertain significance. Last evaluated: 2025-12-03. Review status: criteria provided, single submitter. Criteria: Invitae Variant Classification Sherloc (09022015). Collection method: clinical testing. Allele origin: germline.
Comment: This sequence change replaces alanine, which is neutral and non-polar, with proline, which is neutral and non-polar, at codon 152 of the CTF1 protein (p.Ala152Pro). This variant is present in population databases (no rsID available, gnomAD 0.01%). This variant has not been reported in the literature in individuals affected with CTF1-related conditions. ClinVar contains an entry for this variant (Variation ID: 478119). An algorithm developed to predict the effect of missense changes on protein structure and function outputs the following: PolyPhen-2: "Benign". The proline amino acid residue is found in multiple mammalian species, which suggests that this missense change does not adversely affect protein function. In summary, the available evidence is currently insufficient to determine the role of this variant in disease. Therefore, it has been classified as a Variant of Uncertain Significance.

Women's Health and Genetics/Laboratory Corporation of America, LabCorp
Classification: Uncertain significance. Last evaluated: 2023-05-08. Review status: criteria provided, single submitter. Criteria: LabCorp Variant Classification Summary - May 2015. Collection method: clinical testing. Allele origin: germline.

Ambry Genetics
Classification: Likely benign. Last evaluated: 2021-09-01. Review status: criteria provided, single submitter. Criteria: Ambry Variant Classification Scheme 2023. Collection method: clinical testing. Allele origin: germline.